The following is an entry in ClinVar:

ClinVar aggregate classification (germline): Uncertain significance (1 of 4 stars; one submission).

Conditions:
POLD1-related polyposis and colorectal cancer syndrome (CRCS10). Also called: Colorectal cancer 10; COLORECTAL CANCER, SUSCEPTIBILITY TO, ON CHROMOSOME 19q; Colorectal cancer, susceptibility to, 10. Identifiers: Orphanet 220460, MedGen C2675481, MONDO:0012953, OMIM 612591.

Submission:

Labcorp Genetics (formerly Invitae), Labcorp
Classification: Uncertain significance for POLD1-related polyposis and colorectal cancer syndrome. Last evaluated: 2023-06-26. Review status: criteria provided, single submitter. Criteria: Invitae Variant Classification Sherloc (09022015). Collection method: clinical testing. Allele origin: germline.
Comment: This sequence change replaces isoleucine, which is neutral and non-polar, with phenylalanine, which is neutral and non-polar, at codon 973 of the POLD1 protein (p.Ile973Phe). This variant is not present in population databases (gnomAD no frequency). This variant has not been reported in the literature in individuals affected with POLD1-related conditions. ClinVar contains an entry for this variant (Variation ID: 1502239). Advanced modeling of protein sequence and biophysical properties (such as structural, functional, and spatial information, amino acid conservation, physicochemical variation, residue mobility, and thermodynamic stability) performed at Invitae indicates that this missense variant is expected to disrupt POLD1 protein function. In summary, the available evidence is currently insufficient to determine the role of this variant in disease. Therefore, it has been classified as a Variant of Uncertain Significance.

NM_002691.4(POLD1):c.2917A>T (p.Ile973Phe)

Gene: POLD1 (DNA polymerase delta 1, catalytic subunit; plus strand). Cytogenetic location: 19q13.33.
Variant type: single nucleotide variant.
Coding change: c.2917A>T on transcript NM_002691.4 (MANE Select); coding-DNA position 2917, A replaced by T.
Protein change: p.Ile973Phe; replaces isoleucine 973 with phenylalanine.
Molecular consequence: missense variant. On other transcripts: non-coding transcript variant (1).
Genome position (GRCh38, 1-based): chr19:50,416,492, A>T. VCF-style: chr19-50416492-A-T. GRCh37 (hg19) VCF-style: chr19-50919749-A-T.
Other names: c.2917A>T, p.Ile973Phe (NM_001256849.1); c.2995A>T, p.Ile999Phe (NM_001308632.1); short protein forms I973F, I999F.
Identifiers: ClinVar variation 1502239 (VCV001502239.8), dbSNP rs2122491972, ClinGen allele CA406986588.